The following is an entry in ClinVar:

NM_014874.4(MFN2):c.997G>A (p.Val333Met)

Gene: MFN2 (mitofusin 2; plus strand). Cytogenetic location: 1p36.22.
Variant type: single nucleotide variant.
Coding change: c.997G>A on transcript NM_014874.4 (MANE Select); coding-DNA position 997, G replaced by A.
Protein change: p.Val333Met; replaces valine 333 with methionine.
Molecular consequence: missense variant.
Genome position (GRCh38, 1-based): chr1:12,001,795, G>A. VCF-style: chr1-12001795-G-A. GRCh37 (hg19) VCF-style: chr1-12061852-G-A.
Other names: c.997G>A, p.Val333Met (NM_001127660.2); short protein forms V333M.
Identifiers: ClinVar variation 1490234 (VCV001490234.8), dbSNP rs1009733171, ClinGen allele CA18010149.

ClinVar aggregate classification (germline): Uncertain significance (1 of 4 stars; one submission).

Conditions:
Charcot-Marie-Tooth disease type 2. Also called: Charcot-Marie-Tooth type 2. Identifiers: Orphanet 64746, MedGen C0270914, MONDO:0018993.

Submission:

Labcorp Genetics (formerly Invitae), Labcorp
Classification: Uncertain significance for Charcot-Marie-Tooth disease type 2. Last evaluated: 2025-07-06. Review status: criteria provided, single submitter. Criteria: Invitae Variant Classification Sherloc (09022015). Collection method: clinical testing. Allele origin: germline.
Comment: This sequence change replaces valine, which is neutral and non-polar, with methionine, which is neutral and non-polar, at codon 333 of the MFN2 protein (p.Val333Met). This variant is not present in population databases (gnomAD no frequency). This variant has not been reported in the literature in individuals affected with MFN2-related conditions. ClinVar contains an entry for this variant (Variation ID: 1490234). Invitae Evidence Modeling of protein sequence and biophysical properties (such as structural, functional, and spatial information, amino acid conservation, physicochemical variation, residue mobility, and thermodynamic stability) indicates that this missense variant is not expected to disrupt MFN2 protein function with a negative predictive value of 80%. In summary, the available evidence is currently insufficient to determine the role of this variant in disease. Therefore, it has been classified as a Variant of Uncertain Significance.